The following is an entry in ClinVar:

NM_000384.3(APOB):c.12896T>G (p.Leu4299Arg)

Gene: APOB (apolipoprotein B; minus strand). Cytogenetic location: 2p24.1.
Variant type: single nucleotide variant.
Coding change: c.12896T>G on transcript NM_000384.3 (MANE Select); coding-DNA position 12896, T replaced by G.
Protein change: p.Leu4299Arg; replaces leucine 4299 with arginine.
Molecular consequence: missense variant.
Genome position (GRCh38, 1-based): chr2:21,002,526, A>C on the plus strand (T>G on the coding strand, the complement: APOB is on the minus strand). VCF-style: chr2-21002526-A-C. GRCh37 (hg19) VCF-style: chr2-21225398-A-C.
Other names: c.12896T>G (NM_000384.2); short protein forms L4299R.
Identifiers: ClinVar variation 1907764 (VCV001907764.6), dbSNP rs776181718, ClinGen allele CA051445.

ClinVar aggregate classification (germline): Conflicting classifications of pathogenicity. Review status: criteria provided, conflicting classifications (1 of 4 stars). 2 submissions from 2 submitters: Uncertain significance (1); Likely benign (1). Last evaluated 2025-01-07.

Conditions:
Familial hypobetalipoproteinemia 1. Also called: Hypobetalipoproteinemia, normotriglyceridemic; Acanthocytosis with hypobetalipoproteinemia; APOB-Related Familial Hypobetalipoproteinemia. Identifiers: MedGen C4551990, MONDO:0014252, OMIM 615558.
Hypercholesterolemia, autosomal dominant, type B (FHCL2). Also called: Familial Hypercholesterolemia Type B; APOLIPOPROTEIN B-100, FAMILIAL DEFECTIVE; APOLIPOPROTEIN B-100, FAMILIAL LIGAND-DEFECTIVE; HYPERCHOLESTEROLEMIA, FAMILIAL, DUE TO LIGAND-DEFECTIVE APOLIPOPROTEIN B; Familial hypercholesterolemia 2; APOB-Related Familial Hypercholesterolemia, Autosomal Dominant. Identifiers: MedGen C1704417, MONDO:0007751, OMIM 144010.

Allele frequency attached by ClinVar (database versions not stated): gnomAD exomes below 0.00001; TOPMed below 0.00001; ExAC 0.00001.
gnomAD v4.1: 1 of 1,613,764 alleles (0.000062%); highest among the groups gnomAD compares: Admixed American, 0.0017%; no homozygotes.

Submissions (2):

GeneDx
Classification: Uncertain significance. Last evaluated: 2025-01-07. Review status: criteria provided, single submitter. Criteria: GeneDx Variant Classification Process June 2021. Collection method: clinical testing. Allele origin: germline. Affected: yes.
Comment: Not observed at significant frequency in large population cohorts (gnomAD); In silico analysis supports that this missense variant has a deleterious effect on protein structure/function; Has not been previously published as pathogenic or benign to our knowledge

Labcorp Genetics (formerly Invitae), Labcorp
Classification: Likely benign for Familial hypobetalipoproteinemia 1; Hypercholesterolemia, autosomal dominant, type B. Last evaluated: 2023-04-26. Review status: criteria provided, single submitter. Criteria: Invitae Variant Classification Sherloc (09022015). Collection method: clinical testing. Allele origin: germline.